The following is an entry in ClinVar:

NM_001042492.3(NF1):c.6896C>T (p.Thr2299Ile)

Gene: NF1 (neurofibromin 1; plus strand). Cytogenetic location: 17q11.2.
Variant type: single nucleotide variant.
Coding change: c.6896C>T on transcript NM_001042492.3 (MANE Select); coding-DNA position 6896, C replaced by T.
Protein change: p.Thr2299Ile; replaces threonine 2299 with isoleucine.
Molecular consequence: missense variant.
Genome position (GRCh38, 1-based): chr17:31,338,780, C>T. VCF-style: chr17-31338780-C-T. GRCh37 (hg19) VCF-style: chr17-29665798-C-T.
Other names: c.6833C>T, p.Thr2278Ile (NM_000267.4); short protein forms T2299I, T2278I.
Identifiers: ClinVar variation 2162915 (VCV002162915.4), dbSNP rs2151559335, ClinGen allele CA399014405.
Genomic context (GRCh38, chr17:31,338,780, plus strand): 5'-TAAAAGGACCTGACACTTACAACAGTCAAGTTCTGATAGAAGCTACAGTAATAGCACTAA[C>T]CAAATTACAGCCACTTCTTAATAAGGTAATTACTGTATAGAAAATGAGTGCATTCATTTT-3'
Protein context (NP_001035957.1, residues 2289-2309): VLIEATVIAL[Thr2299Ile]KLQPLLNKDS

ClinVar aggregate classification (germline): Uncertain significance (1 of 4 stars; one submission).

Conditions:
Neurofibromatosis, type 1 (NF1). Also called: Neurofibromatosis, type I; VON RECKLINGHAUSEN DISEASE; Peripheral type neurofibromatosis; NEUROFIBROMATOSIS, TYPE I, SOMATIC. Identifiers: Orphanet 636, MedGen C0027831, MONDO:0018975, OMIM 162200. Disease mechanism: loss of function.

Submission:

Labcorp Genetics (formerly Invitae), Labcorp
Classification: Uncertain significance for Neurofibromatosis, type 1. Last evaluated: 2023-11-04. Review status: criteria provided, single submitter. Criteria: Invitae Variant Classification Sherloc (09022015). Collection method: clinical testing. Allele origin: germline.
Comment: This sequence change replaces threonine, which is neutral and polar, with isoleucine, which is neutral and non-polar, at codon 2278 of the NF1 protein (p.Thr2278Ile). This variant is not present in population databases (gnomAD no frequency). This variant has not been reported in the literature in individuals affected with NF1-related conditions. ClinVar contains an entry for this variant (Variation ID: 2162915). Advanced modeling of protein sequence and biophysical properties (such as structural, functional, and spatial information, amino acid conservation, physicochemical variation, residue mobility, and thermodynamic stability) performed at Invitae indicates that this missense variant is expected to disrupt NF1 protein function with a positive predictive value of 95%. In summary, the available evidence is currently insufficient to determine the role of this variant in disease. Therefore, it has been classified as a Variant of Uncertain Significance.